The following is an entry in ClinVar:

NM_144997.7(FLCN):c.1300+4C>T

Gene: FLCN (folliculin; minus strand). Cytogenetic location: 17p11.2.
Variant type: single nucleotide variant.
Coding change: c.1300+4C>T on transcript NM_144997.7 (MANE Select); 4 bases into the intron after coding-DNA position 1300, C replaced by T.
Molecular consequence: intron variant.
Genome position (GRCh38, 1-based): chr17:17,216,376, G>A on the plus strand (C>T on the coding strand, the complement: FLCN is on the minus strand). VCF-style: chr17-17216376-G-A. GRCh37 (hg19) VCF-style: chr17-17119690-G-A.
Other names: c.1300+4C>T (NM_001353231.2, NM_001353230.2); c.1354+4C>T (NM_001353229.2).
Identifiers: ClinVar variation 857867 (VCV000857867.9), dbSNP rs1207963576, ClinGen allele CA625014948.

ClinVar aggregate classification (germline): Conflicting classifications of pathogenicity. Review status: criteria provided, conflicting classifications (1 of 4 stars). 3 submissions from 3 submitters: Uncertain significance (2); Likely benign (1). Last evaluated 2025-10-27.

Conditions:
Familial spontaneous pneumothorax (PSP). Identifiers: Orphanet 2903, MedGen C1868193, MONDO:0008259, OMIM 173600.
17p11.2 microduplication syndrome (PTLS). Also called: CHROMOSOME 17p11.2 DUPLICATION SYNDROME; Potocki-Lupski syndrome; Duplication 17p11.2 syndrome; Potocki-Lupski syndrome (dup(17)(p11.2p11.2)). Identifiers: Orphanet 1713, MedGen C2931246, MONDO:0012574, OMIM 610883.
Nonpapillary renal cell carcinoma. Identifiers: Orphanet 422526, MedGen CN074294, MONDO:0007763, OMIM 144700.
Birt-Hogg-Dube syndrome. Also called: Birt Hogg Dubé syndrome. Identifiers: Orphanet 122, MedGen C0346010, MONDO:0800444.
Colorectal cancer. Also called: Colorectal cancer, somatic; Malignant Colorectal Neoplasm. Identifiers: MedGen C0346629, MONDO:0005575, OMIM 114500.
Hereditary cancer-predisposing syndrome. Also called: Hereditary neoplastic syndrome; Tumor predisposition; Neoplastic Syndromes, Hereditary; Hereditary Cancer Syndrome. Identifiers: Orphanet 140162, MedGen C0027672, MeSH D009386, MONDO:0015356.

Allele frequency attached by ClinVar (database versions not stated): gnomAD exomes below 0.00001 and 0.00001.
gnomAD v4.1: 9 of 1,613,228 alleles (0.00056%); highest among the groups gnomAD compares: South Asian, 0.0022%; no homozygotes.

Submissions (3):

Labcorp Genetics (formerly Invitae), Labcorp
Classification: Likely benign for Birt-Hogg-Dube syndrome. Last evaluated: 2025-10-27. Review status: criteria provided, single submitter. Criteria: Invitae Variant Classification Sherloc (09022015). Collection method: clinical testing. Allele origin: germline.

Ambry Genetics
Classification: Uncertain significance for Hereditary cancer-predisposing syndrome. Last evaluated: 2023-11-16. Review status: criteria provided, single submitter. Criteria: Ambry Variant Classification Scheme 2023. Collection method: clinical testing. Allele origin: germline.
Comment: The c.1300+4C>T intronic variant results from a C to T substitution 4 nucleotides after coding exon 8 in the FLCN gene. This nucleotide position is poorly conserved in available vertebrate species. In silico splice site analysis predicts that this alteration will not have any significant effect on splicing; however, direct evidence is insufficient at this time (Ambry internal data). Since supporting evidence is limited at this time, the clinical significance of this alteration remains unclear.

Fulgent Genetics
Classification: Uncertain significance for Colorectal cancer; Birt-Hogg-Dube syndrome 1; Nonpapillary renal cell carcinoma; Familial spontaneous pneumothorax; 17p11.2 microduplication syndrome. Last evaluated: 2022-04-04. Review status: criteria provided, single submitter. Criteria: ACMG Guidelines, 2015. Collection method: clinical testing. Allele origin: unknown.